The following is an entry in ClinVar:

ClinVar aggregate classification (germline): Uncertain significance. Review status: criteria provided, multiple submitters, no conflicts (2 of 4 stars). 4 submissions from 3 submitters: Uncertain significance (4). Last evaluated 2023-11-04.

Conditions:
Retinitis pigmentosa 39 (RP39). Identifiers: Orphanet 791, MedGen C3151138, MONDO:0013436, OMIM 613809.
Usher syndrome type 2A. Also called: RETINAL DISEASE IN USHER SYNDROME TYPE IIA, MODIFIER OF; USHER SYNDROME, TYPE IIA. Identifiers: Orphanet 231178, Orphanet 886, MedGen C1848634, MONDO:0010169, OMIM 276901.

Allele frequency attached by ClinVar (database versions not stated): gnomAD exomes 0.00001; ExAC 0.00002; gnomAD 0.00005 and 0.00006; TOPMed 0.00006; ESP Exome Variant Server 0.00015.
gnomAD v4.1: 24 of 1,613,980 alleles (0.0015%); highest among the groups gnomAD compares: African/African-American, 0.023%; no homozygotes.

Submissions (4):

Genome-Nilou Lab
Classification: Uncertain significance for Retinitis pigmentosa 39. Last evaluated: 2023-11-04. Review status: criteria provided, single submitter. Criteria: ACMG Guidelines, 2015. Collection method: clinical testing. Allele origin: germline. Affected: no.

Genome-Nilou Lab
Classification: Uncertain significance for Usher syndrome type 2A. Last evaluated: 2023-11-04. Review status: criteria provided, single submitter. Criteria: ACMG Guidelines, 2015. Collection method: clinical testing. Allele origin: germline. Affected: no.

GeneDx
Classification: Uncertain significance. Last evaluated: 2023-02-24. Review status: criteria provided, single submitter. Criteria: GeneDx Variant Classification Process June 2021. Collection method: clinical testing. Allele origin: germline. Affected: yes.
Comment: In silico analysis supports that this missense variant does not alter protein structure/function; Has not been previously published as pathogenic or benign to our knowledge

Labcorp Genetics (formerly Invitae), Labcorp
Classification: Uncertain significance. Last evaluated: 2022-06-01. Review status: criteria provided, single submitter. Criteria: Invitae Variant Classification Sherloc (09022015). Collection method: clinical testing. Allele origin: germline.
Comment: This sequence change replaces phenylalanine, which is neutral and non-polar, with tyrosine, which is neutral and polar, at codon 4497 of the USH2A protein (p.Phe4497Tyr). This variant is present in population databases (rs145719886, gnomAD 0.02%). This variant has not been reported in the literature in individuals affected with USH2A-related conditions. ClinVar contains an entry for this variant (Variation ID: 1408537). Algorithms developed to predict the effect of missense changes on protein structure and function are either unavailable or do not agree on the potential impact of this missense change (SIFT: "Deleterious"; PolyPhen-2: "Possibly Damaging"; Align-GVGD: "Class C15"). In summary, the available evidence is currently insufficient to determine the role of this variant in disease. Therefore, it has been classified as a Variant of Uncertain Significance.

NM_206933.4(USH2A):c.13490T>A (p.Phe4497Tyr)

Gene: USH2A (usherin; minus strand). Cytogenetic location: 1q41.
Variant type: single nucleotide variant.
Coding change: c.13490T>A on transcript NM_206933.4 (MANE Select); coding-DNA position 13490, T replaced by A.
Protein change: p.Phe4497Tyr; replaces phenylalanine 4497 with tyrosine.
Molecular consequence: missense variant.
Genome position (GRCh38, 1-based): chr1:215,674,421, A>T on the plus strand (T>A on the coding strand, the complement: USH2A is on the minus strand). VCF-style: chr1-215674421-A-T. GRCh37 (hg19) VCF-style: chr1-215847763-A-T.
Other names: c.13490T>A (NM_206933.2); short protein forms F4497Y.
Identifiers: ClinVar variation 1408537 (VCV001408537.8), dbSNP rs145719886, ClinGen allele CA1393279.